The following is an entry in ClinVar:

NM_004484.4(GPC3):c.175+1G>T

Gene: GPC3 (glypican 3; minus strand). Cytogenetic location: Xq26.2.
Variant type: single nucleotide variant.
Coding change: c.175+1G>T on transcript NM_004484.4 (MANE Select); the canonical splice donor site of the intron after coding-DNA position 175, G replaced by T.
Molecular consequence: splice donor variant.
Genome position (GRCh38, 1-based): chrX:133,985,274, C>A on the plus strand (G>T on the coding strand, the complement: GPC3 is on the minus strand). VCF-style: chrX-133985274-C-A. GRCh37 (hg19) VCF-style: chrX-133119301-C-A.
Other names: c.175+1G>T (NM_001164619.2, NM_001164618.2, NM_001164617.2).
Identifiers: ClinVar variation 1027392 (VCV001027392.2), dbSNP rs886039489, ClinGen allele CA414706870.

ClinVar aggregate classification (germline): Pathogenic. Review status: criteria provided, single submitter (1 of 4 stars). 2 submissions from 2 submitters: Pathogenic (1). 1 of the submissions does not count toward it. Last evaluated 2023-03-28.

Conditions:
Simpson-Golabi-Behmel syndrome type 1 (SGBS1). Also called: GPC3-Related Simpson-Golabi-Behmel Syndrome Type 1; BULLDOG SYNDROME; DYSPLASIA GIGANTISM SYNDROME, X-LINKED; GOLABI-ROSEN SYNDROME; SIMPSON DYSMORPHIA SYNDROME. Identifiers: Orphanet 373, MedGen C0796154, MONDO:0020602, OMIM 312870.

Submissions (2):

GeneDx
Classification: Pathogenic. Last evaluated: 2023-03-28. Review status: criteria provided, single submitter. Criteria: GeneDx Variant Classification Process June 2021. Collection method: clinical testing. Allele origin: germline. Affected: yes.
Comment: Canonical splice site variant predicted to result in a null allele in a gene for which loss of function is a known mechanism of disease; Not observed at significant frequency in large population cohorts (gnomAD); This variant is associated with the following publications: (PMID: 34974531, 33540913)

Institute of Medical Genetics, Medical University of Vienna
Classification: Pathogenic for Simpson-Golabi-Behmel syndrome type 1. Last evaluated: 2021-03-10. Review status: no assertion criteria provided. Collection method: clinical testing. Allele origin: maternal. Affected: yes. Not counted in ClinVar's aggregate classification.